The following is an entry in ClinVar:

NM_201384.3(PLEC):c.13616T>C (p.Leu4539Pro)

Gene: PLEC (plectin; minus strand). Cytogenetic location: 8q24.3.
Variant type: single nucleotide variant.
Coding change: c.13616T>C on transcript NM_201384.3 (MANE Select); coding-DNA position 13616, T replaced by C.
Protein change: p.Leu4539Pro; replaces leucine 4539 with proline.
Molecular consequence: missense variant.
Genome position (GRCh38, 1-based): chr8:143,916,205, A>G on the plus strand (T>C on the coding strand, the complement: PLEC is on the minus strand). VCF-style: chr8-143916205-A-G. GRCh37 (hg19) VCF-style: chr8-144990373-A-G.
Other names: c.13697T>C, p.Leu4566Pro (NM_000445.5); c.10316T>C, p.Leu3439Pro (NM_001410941.1); c.13574T>C, p.Leu4525Pro (NM_201378.4); c.13550T>C, p.Leu4517Pro (NM_201379.3); c.14027T>C, p.Leu4676Pro (NM_201380.4); c.13520T>C, p.Leu4507Pro (NM_201381.3); c.13616T>C, p.Leu4539Pro (NM_201382.4); c.13628T>C, p.Leu4543Pro (NM_201383.3); short protein forms L3439P, L4507P, L4517P, L4543P, L4676P, L4525P, L4539P, L4566P.
Identifiers: ClinVar variation 4783132 (VCV004783132.1).
Genomic context (GRCh38, chr8:143,916,205, plus strand): 5'-CCGCATGCAGAGCGGGGTGGGCGCAGGCAGCCTCAGGCCACGGCAGACTCAGGGCCCCCC[A>G]GGGAGGCCGAGGACCCCGAGGCGTAGCGGCGGCCGTAGCCCGAGGAGGAGTAGGAGGATG-3'
Protein context (NP_958786.1, residues 4529-4547): RRYASGSSAS[Leu4539Pro]GGPESAVA

ClinVar aggregate classification (germline): Uncertain significance (1 of 4 stars; one submission).

Conditions:
Epidermolysis bullosa simplex with nail dystrophy (EBS5D). Identifiers: MedGen C4225309, MONDO:0014661, OMIM 616487.
Epidermolysis bullosa simplex, Ogna type (EBS5A). Also called: Pidermolysis bullosa simplex 5A, Ogna type; EPIDERMOLYSIS BULLOSA SIMPLEX 5A, OGNA TYPE. Identifiers: Orphanet 79401, MedGen C0432317, MONDO:0007555, OMIM 131950.
Epidermolysis bullosa simplex 5B, with muscular dystrophy (EBS5B). Also called: Epidermolysis bullosa simplex with muscular dystrophy; EPIDERMOLYSIS BULLOSA SIMPLEX AND LIMB-GIRDLE MUSCULAR DYSTROPHY. Identifiers: Orphanet 257, MedGen C2931072, MONDO:0009181, OMIM 226670.
Autosomal recessive limb-girdle muscular dystrophy type 2Q (LGMDR17). Also called: MUSCULAR DYSTROPHY, LIMB-GIRDLE, AUTOSOMAL RECESSIVE 17. Identifiers: Orphanet 254361, MedGen C3150989, MONDO:0013390, OMIM 613723.
Epidermolysis bullosa simplex 5C, with pyloric atresia (EBS5C). Also called: PLEC-Related Epidermolysis Bullosa with Pyloric Atresia; Epidermolysis bullosa simplex with pyloric atresia; PLEC1-Related Epidermolysis Bullosa with Pyloric Atresia. Identifiers: Orphanet 158684, MedGen C2677349, MONDO:0012807, OMIM 612138.

gnomAD v4.1: 2 of 1,543,896 alleles (0.00013%); highest among the groups gnomAD compares: Non-Finnish European, 0.00017%; no homozygotes.

Submission:

Labcorp Genetics (formerly Invitae), Labcorp
Classification: Uncertain significance for Autosomal recessive limb-girdle muscular dystrophy type 2Q; Epidermolysis bullosa simplex, Ogna type; Epidermolysis bullosa simplex with nail dystrophy; Epidermolysis bullosa simplex 5C, with pyloric atresia; Epidermolysis bullosa simplex 5B, with muscular dystrophy. Last evaluated: 2025-03-22. Review status: criteria provided, single submitter. Criteria: Invitae Variant Classification Sherloc (09022015). Collection method: clinical testing. Allele origin: germline.
Comment: This sequence change replaces leucine, which is neutral and non-polar, with proline, which is neutral and non-polar, at codon 4566 of the PLEC protein (p.Leu4566Pro). This variant is not present in population databases (gnomAD no frequency). This variant has not been reported in the literature in individuals affected with PLEC-related conditions. Invitae Evidence Modeling of protein sequence and biophysical properties (such as structural, functional, and spatial information, amino acid conservation, physicochemical variation, residue mobility, and thermodynamic stability) indicates that this missense variant is not expected to disrupt PLEC protein function with a negative predictive value of 80%. In summary, the available evidence is currently insufficient to determine the role of this variant in disease. Therefore, it has been classified as a Variant of Uncertain Significance.